The following is an entry in ClinVar:

NM_004415.4(DSP):c.1572C>T (p.Cys524=)

Gene: DSP (desmoplakin; plus strand). Cytogenetic location: 6p24.3.
Variant type: single nucleotide variant.
Coding change: c.1572C>T on transcript NM_004415.4 (MANE Select); coding-DNA position 1572, C replaced by T.
Protein change: p.Cys524=; no amino-acid change (cysteine 524 retained).
Molecular consequence: synonymous variant.
Genome position (GRCh38, 1-based): chr6:7,569,338, C>T. VCF-style: chr6-7569338-C-T. GRCh37 (hg19) VCF-style: chr6-7569571-C-T.
Other names: c.1572C>T, p.Cys524= (NM_001008844.3, NM_001319034.2).
Identifiers: ClinVar variation 2499397 (VCV002499397.1), dbSNP rs551570496, ClinGen allele CA028742.

ClinVar aggregate classification (germline): Uncertain significance (1 of 4 stars; one submission).

Allele frequency attached by ClinVar (database versions not stated): ExAC 0.00001; TOPMed 0.00001.
gnomAD v4.1: 1 of 1,614,182 alleles (0.000062%); highest among the groups gnomAD compares: Non-Finnish European, 0.000085%; no homozygotes.

Submission:

GeneDx
Classification: Uncertain significance. Last evaluated: 2022-10-17. Review status: criteria provided, single submitter. Criteria: GeneDx Variant Classification Process June 2021. Collection method: clinical testing. Allele origin: germline. Affected: yes.
Comment: Not observed at significant frequency in large population cohorts (gnomAD); In silico analysis supports a deleterious effect on splicing; Has not been previously published as pathogenic or benign to our knowledge